The following is an entry in ClinVar:

NM_000875.5(IGF1R):c.*1425A>C

Gene: IGF1R (insulin like growth factor 1 receptor; plus strand). Cytogenetic location: 15q26.3.
Variant type: single nucleotide variant.
Coding change: c.*1425A>C on transcript NM_000875.5 (MANE Select); 1425 bases downstream of the stop codon, A replaced by C.
Molecular consequence: 3 prime UTR variant.
Genome position (GRCh38, 1-based): chr15:98,958,867, A>C. VCF-style: chr15-98958867-A-C. GRCh37 (hg19) VCF-style: chr15-99502096-A-C.
Other names: c.*1425A>C (NM_001291858.2).
Identifiers: ClinVar variation 317506 (VCV000317506.5), dbSNP rs34237671, ClinGen allele CA10636742.

ClinVar aggregate classification (germline): Benign (1 of 4 stars; one submission).

Conditions:
Growth delay due to insulin-like growth factor I resistance. Also called: Somatomedin end-organ insensitivity to; Somatomedin-c resistance to; IGF-1 resistance; IGF-I RESISTANCE; Insulin-Like Growth Factor I Resistance. Identifiers: Orphanet 73273, MedGen C1849157, MONDO:0010038, OMIM 270450.

Allele frequency attached by ClinVar (database versions not stated): gnomAD exomes 0.00459; gnomAD 0.02369 and 0.02542; TOPMed 0.02607; 1000 Genomes Project 0.02696; 1000 Genomes Project 30x 0.02873.
gnomAD v4.1: 3,986 of 233,590 alleles (1.7%); highest among the groups gnomAD compares: African/African-American, 8.1%; 146 homozygotes.

Submission:

Illumina Laboratory Services, Illumina
Classification: Benign for Growth delay due to insulin-like growth factor I resistance. Last evaluated: 2018-01-13. Review status: criteria provided, single submitter. Criteria: ICSL Variant Classification Criteria 13 December 2019. Collection method: clinical testing. Allele origin: germline.
Comment: This variant was observed in the ICSL laboratory as part of a predisposition screen in an ostensibly healthy population. It had not been previously curated by ICSL or reported in the Human Gene Mutation Database (HGMD: prior to June 1st, 2018), and was therefore a candidate for classification through an automated scoring system. Utilizing variant allele frequency, disease prevalence and penetrance estimates, and inheritance mode, an automated score was calculated to assess if this variant is too frequent to cause the disease. Based on the score and internal cut-off values, a variant classified as benign is not then subjected to further curation. The score for this variant resulted in a classification of benign for this disease.